The following is an entry in ClinVar:

NM_000018.4(ACADVL):c.1269+1G>A

Gene: ACADVL (acyl-CoA dehydrogenase very long chain; plus strand). Cytogenetic location: 17p13.1.
Variant type: single nucleotide variant.
Coding change: c.1269+1G>A on transcript NM_000018.4 (MANE Select); the canonical splice donor site of the intron after coding-DNA position 1269, G replaced by A.
Molecular consequence: splice donor variant.
Genome position (GRCh38, 1-based): chr17:7,223,731, G>A. VCF-style: chr17-7223731-G-A. GRCh37 (hg19) VCF-style: chr17-7127050-G-A.
Other names: c.1338+1G>A (NM_001270447.2); c.1041+1G>A (NM_001270448.2); c.1203+1G>A (NM_001033859.3).
Identifiers: ClinVar variation 555644 (VCV000555644.24), dbSNP rs773401248, ClinGen allele CA8338049.

ClinVar aggregate classification (germline): Likely pathogenic. Review status: reviewed by expert panel (3 of 4 stars). 10 submissions from 10 submitters: Likely pathogenic (1). 9 of the submissions do not count toward it. Last evaluated 2022-12-14.

Conditions:
Very long chain acyl-CoA dehydrogenase deficiency (ACADVLD). Also called: Very Long-Chain Acyl-Coenzyme A Dehydrogenase Deficiency; VLCAD Deficiency. Identifiers: Orphanet 26793, MedGen C3887523, MONDO:0008723, OMIM 201475.

Allele frequency attached by ClinVar (database versions not stated): gnomAD exomes below 0.00001; ExAC 0.00001.
gnomAD v4.1: 4 of 1,614,156 alleles (0.00025%); highest among the groups gnomAD compares: Non-Finnish European, 0.00025%; no homozygotes.

Submissions (10):

ClinGen ACADVL Variant Curation Expert Panel, ClinGen
Classification: Likely pathogenic for Very long chain acyl-CoA dehydrogenase deficiency. Last evaluated: 2022-12-14. Review status: reviewed by expert panel. Criteria: clingen acadvl acmg specifications v1. Collection method: curation. Allele origin: germline. Inheritance: Autosomal recessive inheritance.
Comment: The c.1269+1G>A variant in ACADVL, also published as IVS12+1G>A, occurs within the canonical splice donor site (+/- 1,2) of intron 12. It is predicted to cause skipping of biologically-relevant-exon 12/20, resulting in an in-frame deletion (removes amino acids 395-423) that is predicted to escape nonsense mediated decay (PVS1_Moderate). This variant has been described without an additional ACADVL variant in 3 individuals identified by newborn screen, identified in an unknown phase to a variant of uncertain significance in two individuals, and has also been identified occurring in the homozygous state in an individual identified by newborn screen (PM3_Supporting, PMIDs: 32793418, 30194637, 25834949, 21932095, 21531094). The individual who carried the c.1269+1G>A variant in the homozygous state also displayed reduced VLCAD enzyme activity, which is highly specific for very long chain acyl CoA dehydrogenase (VLCAD) deficiency (PP4_Moderate, PMID: 25834949). The highest population minor allele frequency in gnomAD v2.1.1 is 0.00001 in the European (Non-Finnish) population, which is lower than the ClinGen ACADVL Variant Curation Expert Panel threshold (<0.001) for PM2_Supporting, meeting this criterion (PM2_Supporting). In summary, this variant meets the criteria to be classified as likely pathogenic for autosomal recessive VLCAD deficiency based on the ACMG/AMP criteria applied, as specified by the ClinGen ACADVL Variant Curation Expert Panel: PVS1_Moderate, PM3_Supporting, PP4_Moderate, PM2_Supporting (VCEP specifications version 1; approved November 8, 2021)

Department of Human Genetics, Hannover Medical School
Classification: Likely pathogenic for Very long chain acyl-CoA dehydrogenase deficiency. Last evaluated: 2025-01-21. Review status: criteria provided, single submitter. Criteria: ACMG Guidelines, 2015. Collection method: clinical testing. Allele origin: germline. Inheritance: Autosomal recessive inheritance. Affected: yes. Not counted in ClinVar's aggregate classification.
Comment: ClinGen VCEP: PVS1_Moderate, PM2_Supporting, PM3, PP4_Moderate

Myriad Genetics, Inc.
Classification: Pathogenic for Very long chain acyl-CoA dehydrogenase deficiency. Last evaluated: 2025-01-21. Review status: criteria provided, single submitter. Criteria: Myriad Autosomal Dominant, Autosomal Recessive and X-Linked Classification Criteria (2023). Collection method: clinical testing. Allele origin: unknown. Not counted in ClinVar's aggregate classification.
Comment: NM_000018.3(ACADVL):c.1269+1G>A is a variant in a canonical splice site classified as pathogenic in the context of very-long-chain acyl-CoA dehydrogenase deficiency. c.1269+1G>A has been observed in cases with relevant disease (PMID: 21932095, 25834949). Relevant functional assessments of this variant are not available in the literature. Internal structural analysis of the variant is supportive of pathogenicity. c.1269+1G>A has been observed in referenced population frequency databases. In summary, NM_000018.3(ACADVL):c.1269+1G>A is a variant in a canonical splice site that has internal structural support for pathogenicity and has been observed more frequently in cases with the relevant disease than in healthy populations. Please note: this variant was assessed in the context of healthy population screening.

Natera, Inc.
Classification: Pathogenic for Very long chain acyl-CoA dehydrogenase deficiency. Last evaluated: 2024-12-22. Review status: criteria provided, single submitter. Criteria: Natera Variant Classification Schema (03/2026). Collection method: clinical testing. Allele origin: germline. Not counted in ClinVar's aggregate classification.
Comment: The c.1269+1G>A variant in ACADVL is a canonical splice donor site variant predicted to affect pre-mRNA splicing, which may result in an abnormal transcript and altered protein product. This variant is expected to result in nonsense mediated decay, truncation, or a dysfunctional protein product. This variant is rare in the general population with a frequency below the threshold expected for the associated phenotype(s). This variant has been observed in one or more individuals affected with the associated recessive disease, as either homozygous or compound heterozygous with a second variant (PMID: 38372965, 33742171, 25834949, 21932095). Given the available evidence, this variant is classified as Pathogenic.

Fulgent Genetics
Classification: Likely pathogenic for Very long chain acyl-CoA dehydrogenase deficiency. Last evaluated: 2024-06-15. Review status: criteria provided, single submitter. Criteria: ACMG Guidelines, 2015. Collection method: clinical testing. Allele origin: germline. Not counted in ClinVar's aggregate classification.

Baylor Genetics
Classification: Pathogenic for Very long chain acyl-CoA dehydrogenase deficiency. Last evaluated: 2024-01-05. Review status: criteria provided, single submitter. Criteria: ACMG Guidelines, 2015. Collection method: clinical testing. Allele origin: unknown. Not counted in ClinVar's aggregate classification.

Labcorp Genetics (formerly Invitae), Labcorp
Classification: Pathogenic for Very long chain acyl-CoA dehydrogenase deficiency. Last evaluated: 2023-06-04. Review status: criteria provided, single submitter. Criteria: Invitae Variant Classification Sherloc (09022015). Collection method: clinical testing. Allele origin: germline. Not counted in ClinVar's aggregate classification.
Comment: For these reasons, this variant has been classified as Pathogenic. Algorithms developed to predict the effect of sequence changes on RNA splicing suggest that this variant may disrupt the consensus splice site. ClinVar contains an entry for this variant (Variation ID: 555644). This variant is also known as IVS12+1G>A. Disruption of this splice site has been observed in individual(s) with very long-chain acyl-CoA dehydrogenase deficiency (PMID: 21932095, 25834949). This variant is present in population databases (rs773401248, gnomAD 0.0009%). This sequence change affects a donor splice site in intron 12 of the ACADVL gene. It is expected to disrupt RNA splicing. Variants that disrupt the donor or acceptor splice site typically lead to a loss of protein function (PMID: 16199547), and loss-of-function variants in ACADVL are known to be pathogenic (PMID: 9973285, 11590124).

Women's Health and Genetics/Laboratory Corporation of America, LabCorp
Classification: Pathogenic for Very long chain acyl-CoA dehydrogenase deficiency. Last evaluated: 2021-09-22. Review status: criteria provided, single submitter. Criteria: LabCorp Variant Classification Summary - May 2015. Collection method: clinical testing. Allele origin: germline. Not counted in ClinVar's aggregate classification.
Comment: Variant summary: ACADVL c.1269+1G>A is located in a canonical splice-site and is predicted to affect mRNA splicing resulting in a significantly altered protein due to either exon skipping, shortening, or inclusion of intronic material. Several computational tools predict a significant impact on normal splicing: Four predict the variant abolishes a canonical 5' splicing donor site. However, these predictions have yet to be confirmed by functional studies. The variant allele was found at a frequency of 4e-06 in 251452 control chromosomes. c.1269+1G>A has been reported in the literature as a homozygous genotype in at-least one individual affected with Very Long Chain Acyl-CoA Dehydrogenase Deficiency, as an uninformative genotype in at-least one individual and in individuals with a carrier genotype (without a second allele specified) (example, Hoffmann_2012, Diekman_2015, Hesse_2018, Maguolo_2020). These data indicate that the variant may be associated with disease. At least one publication reports experimental evidence evaluating an impact on protein function. The most pronounced variant effect results in a complete loss of VLCAD activity and long chain-fatty acid oxidation flux (example, Diekman_2015). Two clinical diagnostic laboratories have submitted clinical-significance assessments for this variant to ClinVar after 2014 without evidence for independent evaluation. All laboratories classified the variant as pathogenic. Based on the evidence outlined above, the variant was classified as pathogenic.

Kariminejad - Najmabadi Pathology & Genetics Center
Classification: Pathogenic for Very long chain acyl-CoA dehydrogenase deficiency. Last evaluated: 2021-08-30. Review status: criteria provided, single submitter. Criteria: ACMG Guidelines, 2015. Collection method: clinical testing. Allele origin: germline. Inheritance: Autosomal recessive inheritance. Affected: yes. Not counted in ClinVar's aggregate classification.
Comment: PM2, PVS1, PP5

Counsyl
Classification: Pathogenic for Very long chain acyl-CoA dehydrogenase deficiency. Last evaluated: 2017-12-18. Review status: no assertion criteria provided. Collection method: clinical testing. Allele origin: unknown. Not counted in ClinVar's aggregate classification.

Literature cited by the submitters: PubMed 21932095 (cited by 5 submitters); PubMed 25834949 (cited by 5 submitters); PubMed 38372965 (cited by Natera, Inc.); PubMed 33742171 (cited by Natera, Inc.); PubMed 16199547 (cited by Labcorp Genetics (formerly Invitae), Labcorp); PubMed 9973285 (cited by Labcorp Genetics (formerly Invitae), Labcorp); PubMed 11590124 (cited by Labcorp Genetics (formerly Invitae), Labcorp); PubMed 30194637 (cited by Women's Health and Genetics/Laboratory Corporation of America, LabCorp); PubMed 32793418 (cited by Women's Health and Genetics/Laboratory Corporation of America, LabCorp); PubMed 21531094 (cited by Counsyl).